The following is an entry in ClinVar:

NM_004274.5(AKAP6):c.1354G>A (p.Ala452Thr)

Gene: AKAP6 (A-kinase anchoring protein 6; plus strand). Cytogenetic location: 14q12.
Variant type: single nucleotide variant.
Coding change: c.1354G>A on transcript NM_004274.5 (MANE Select); coding-DNA position 1354, G replaced by A.
Protein change: p.Ala452Thr; replaces alanine 452 with threonine.
Molecular consequence: missense variant.
Genome position (GRCh38, 1-based): chr14:32,546,007, G>A. VCF-style: chr14-32546007-G-A. GRCh37 (hg19) VCF-style: chr14-33015213-G-A.
Other names: short protein forms A452T.
Identifiers: ClinVar variation 2076975 (VCV002076975.1), dbSNP rs772168542, ClinGen allele CA7149070.

ClinVar aggregate classification (germline): Uncertain significance (1 of 4 stars; one submission).

Allele frequency attached by ClinVar (database versions not stated): ExAC 0.00001; gnomAD exomes 0.00001; TOPMed 0.00001.
gnomAD v4.1: 11 of 1,614,152 alleles (0.00068%); highest among the groups gnomAD compares: Middle Eastern, 0.033%; no homozygotes.

Submission:

Labcorp Genetics (formerly Invitae), Labcorp
Classification: Uncertain significance. Last evaluated: 2022-04-09. Review status: criteria provided, single submitter. Criteria: Invitae Variant Classification Sherloc (09022015). Collection method: clinical testing. Allele origin: germline.
Comment: This sequence change replaces alanine, which is neutral and non-polar, with threonine, which is neutral and polar, at codon 452 of the AKAP6 protein (p.Ala452Thr). This variant is present in population databases (rs772168542, gnomAD 0.003%). This variant has not been reported in the literature in individuals affected with AKAP6-related conditions. Algorithms developed to predict the effect of missense changes on protein structure and function (SIFT, PolyPhen-2, Align-GVGD) all suggest that this variant is likely to be tolerated. In summary, the available evidence is currently insufficient to determine the role of this variant in disease. Therefore, it has been classified as a Variant of Uncertain Significance.